The following is an entry in ClinVar:

NM_006420.3(ARFGEF2):c.1885A>G (p.Thr629Ala)

Gene: ARFGEF2 (ARF guanine nucleotide exchange factor 2; plus strand). Cytogenetic location: 20q13.13.
Variant type: single nucleotide variant.
Coding change: c.1885A>G on transcript NM_006420.3 (MANE Select); coding-DNA position 1885, A replaced by G.
Protein change: p.Thr629Ala; replaces threonine 629 with alanine.
Molecular consequence: missense variant.
Genome position (GRCh38, 1-based): chr20:48,976,126, A>G. VCF-style: chr20-48976126-A-G. GRCh37 (hg19) VCF-style: chr20-47592663-A-G.
Other names: c.1882A>G, p.Thr628Ala (NM_001410846.1); short protein forms T628A, T629A.
Identifiers: ClinVar variation 4808415 (VCV004808415.1).

ClinVar aggregate classification (germline): Uncertain significance (1 of 4 stars; one submission).

gnomAD v4.1: 27 of 1,613,810 alleles (0.0017%); highest among the groups gnomAD compares: Non-Finnish European, 0.0022%; no homozygotes.

Submission:

Labcorp Genetics (formerly Invitae), Labcorp
Classification: Uncertain significance. Last evaluated: 2025-06-08. Review status: criteria provided, single submitter. Criteria: Invitae Variant Classification Sherloc (09022015). Collection method: clinical testing. Allele origin: germline.
Comment: This sequence change replaces threonine, which is neutral and polar, with alanine, which is neutral and non-polar, at codon 629 of the ARFGEF2 protein (p.Thr629Ala). The frequency data for this variant in the population databases is considered unreliable, as metrics indicate poor data quality at this position in the gnomAD database. This variant has not been reported in the literature in individuals affected with ARFGEF2-related conditions. An algorithm developed to predict the effect of missense changes on protein structure and function outputs the following: PolyPhen-2: "Benign". The alanine amino acid residue is found in multiple mammalian species, which suggests that this missense change does not adversely affect protein function. In summary, the available evidence is currently insufficient to determine the role of this variant in disease. Therefore, it has been classified as a Variant of Uncertain Significance.